The following is an entry in ClinVar:

ClinVar aggregate classification (germline): Pathogenic (1 of 4 stars; one submission).

Conditions:
Hypogonadotropic hypogonadism 2 with or without anosmia (HH2). Also called: FGFR1-Related GnRH Deficiency (Kallmann Syndrome 2); HYPOGONADOTROPIC HYPOGONADISM 2 WITHOUT ANOSMIA; HYPOGONADOTROPIC HYPOGONADISM 2 WITH OR WITHOUT ANOSMIA, SUSCEPTIBILITY TO; HYPOGONADOTROPIC HYPOGONADISM 2 WITHOUT ANOSMIA, SUSCEPTIBILITY TO. Identifiers: Orphanet 478, MedGen C1563720, MONDO:0007844, OMIM 147950. Disease mechanism: loss of function.

Submission:

Reproductive Endocrine Unit, Massachusetts General Hospital
Classification: Pathogenic for Hypogonadotropic hypogonadism 2 with or without anosmia. Last evaluated: 2023-05-04. Review status: criteria provided, single submitter. Criteria: ACMG Guidelines, 2015. Collection method: research. Allele origin: unknown. Affected: yes. Observed: 1 variant allele.
Comment: The variant NM_023110.2:c.1063_1064dup, p.(Trp355Cysfs*3) het has been classified as P1c based on the variant meeting the following ACMG Criteria: PVS1,PM2,PP3.

NM_023110.3(FGFR1):c.1063_1064dup (p.Trp355fs)

Gene: FGFR1 (fibroblast growth factor receptor 1; minus strand). Cytogenetic location: 8p11.23.
Variant type: Duplication.
Coding change: c.1063_1064dup on transcript NM_023110.3 (MANE Select); coding-DNA positions 1063 to 1064, 2 bases duplicated (TG; older notation c.1063_1064dupTG).
Protein change: p.Trp355fs; shifts the reading frame from tryptophan 355.
Molecular consequence: frameshift variant.
Genome position (GRCh38, 1-based): chr8:38,421,814-38,421,815, CA duplicated on the plus strand (TG on the coding strand, the reverse complement: FGFR1 is on the minus strand). VCF-style (leftmost placement, unchanged base first): chr8-38421813-C-CCA. GRCh37 (hg19) VCF-style: chr8-38279331-C-CCA.
Other names: c.1063_1064dup, p.Trp355Cysfs (NM_000604.2); c.1063_1064dup, p.Trp355fs (NM_001174063.2); c.1039_1040dup, p.Trp347fs (NM_001174064.2); c.1057_1058dup, p.Trp353fs (NM_001174065.2, NM_001354367.2, NM_001354369.2 and 2 more transcripts); c.796_797dup, p.Trp266fs (NM_001174066.2, NM_023105.3); c.1156_1157dup, p.Trp386fs (NM_001174067.2); c.790_791dup, p.Trp264fs (NM_001354368.2, NM_001354370.2, NM_023106.3); short protein forms W264fs, W266fs, W347fs, W353fs, W355fs, W386fs.
Identifiers: ClinVar variation 2505382 (VCV002505382.1), dbSNP rs2537019323, ClinGen allele CA2580614547.